The following is an entry in ClinVar:

ClinVar aggregate classification (germline): Uncertain significance. Review status: criteria provided, multiple submitters, no conflicts (2 of 4 stars). 3 submissions from 3 submitters: Uncertain significance (2). 1 of the submissions does not count toward it. Last evaluated 2025-01-25.

Conditions:
Hereditary cancer-predisposing syndrome. Also called: Hereditary Cancer Syndrome; Hereditary neoplastic syndrome; Neoplastic Syndromes, Hereditary; Tumor predisposition. Identifiers: Orphanet 140162, MedGen C0027672, MeSH D009386, MONDO:0015356.
Bloom syndrome (BLM). Also called: Bloom-Torre-Machacek syndrome. Identifiers: Orphanet 125, MedGen C0005859, MONDO:0008876, OMIM 210900.

Allele frequency attached by ClinVar (database versions not stated): gnomAD 0.00001; gnomAD exomes 0.00001 and 0.00003; TOPMed 0.00001; ExAC 0.00002.
gnomAD v4.1: 22 of 1,613,794 alleles (0.0014%); highest among the groups gnomAD compares: Middle Eastern, 0.017%; no homozygotes.

Submissions (3):

Labcorp Genetics (formerly Invitae), Labcorp
Classification: Uncertain significance for Bloom syndrome. Last evaluated: 2025-01-25. Review status: criteria provided, single submitter. Criteria: Invitae Variant Classification Sherloc (09022015). Collection method: clinical testing. Allele origin: germline.
Comment: This sequence change replaces arginine, which is basic and polar, with glutamine, which is neutral and polar, at codon 404 of the BLM protein (p.Arg404Gln). This variant is present in population databases (rs776516663, gnomAD 0.02%). This variant has not been reported in the literature in individuals affected with BLM-related conditions. ClinVar contains an entry for this variant (Variation ID: 454069). Invitae Evidence Modeling of protein sequence and biophysical properties (such as structural, functional, and spatial information, amino acid conservation, physicochemical variation, residue mobility, and thermodynamic stability) indicates that this missense variant is not expected to disrupt BLM protein function with a negative predictive value of 80%. In summary, the available evidence is currently insufficient to determine the role of this variant in disease. Therefore, it has been classified as a Variant of Uncertain Significance.

Ambry Genetics
Classification: Uncertain significance for Hereditary cancer-predisposing syndrome. Last evaluated: 2023-03-20. Review status: criteria provided, single submitter. Criteria: Ambry Variant Classification Scheme 2023. Collection method: clinical testing. Allele origin: germline.
Comment: The p.R404Q variant (also known as c.1211G>A), located in coding exon 5 of the BLM gene, results from a G to A substitution at nucleotide position 1211. The arginine at codon 404 is replaced by glutamine, an amino acid with highly similar properties. This amino acid position is highly conserved in available vertebrate species. In addition, the in silico prediction for this alteration is inconclusive. Since supporting evidence is limited at this time, the clinical significance of this alteration remains unclear.

Natera, Inc.
Classification: Uncertain significance for Bloom syndrome. Last evaluated: 2020-08-31. Review status: no assertion criteria provided. Collection method: clinical testing. Allele origin: germline. Not counted in ClinVar's aggregate classification.

NM_000057.4(BLM):c.1211G>A (p.Arg404Gln)

Gene: BLM (BLM RecQ like helicase; plus strand). Cytogenetic location: 15q26.1.
Variant type: single nucleotide variant.
Coding change: c.1211G>A on transcript NM_000057.4 (MANE Select); coding-DNA position 1211, G replaced by A.
Protein change: p.Arg404Gln; replaces arginine 404 with glutamine.
Molecular consequence: missense variant.
Genome position (GRCh38, 1-based): chr15:90,760,270, G>A. VCF-style: chr15-90760270-G-A. GRCh37 (hg19) VCF-style: chr15-91303500-G-A.
Other names: c.1211G>A (LRG_20t1); c.1211G>A, p.Arg404Gln (NM_001287246.2, NM_001287247.2); c.86G>A, p.Arg29Gln (NM_001287248.2); short protein forms R404Q, R29Q.
Identifiers: ClinVar variation 454069 (VCV000454069.16), dbSNP rs776516663, ClinGen allele CA7738485.